The following is an entry in ClinVar:

ClinVar aggregate classification (germline): Conflicting classifications of pathogenicity. Review status: criteria provided, conflicting classifications (1 of 4 stars). 5 submissions from 5 submitters: Uncertain significance (3); Benign (1). 1 of the submissions does not count toward it. Last evaluated 2025-11-17.

Conditions:
Cohen syndrome (COH1). Also called: PEPPER SYNDROME; Cutis verticis gyrata, retinitis pigmentosa, and sensorineural deafness. Identifiers: Orphanet 193, MedGen C0265223, MONDO:0008999, OMIM 216550.
VPS13B-related disorder. Also called: VPS13B-related condition.
Inborn genetic diseases. Identifiers: MedGen C0950123, MeSH D030342.

Allele frequency attached by ClinVar (database versions not stated): gnomAD 0.00003 and 0.00004; gnomAD exomes 0.00003 and 0.00008; ExAC 0.00005; TOPMed 0.00005; ESP Exome Variant Server 0.00015.
gnomAD v4.1: 119 of 1,613,872 alleles (0.0074%); highest among the groups gnomAD compares: Non-Finnish European, 0.0099%; no homozygotes.

Submissions (5):

Labcorp Genetics (formerly Invitae), Labcorp
Classification: Benign for Cohen syndrome. Last evaluated: 2025-11-17. Review status: criteria provided, single submitter. Criteria: Invitae Variant Classification Sherloc (09022015). Collection method: clinical testing. Allele origin: germline.

PreventionGenetics, part of Exact Sciences
Classification: Uncertain significance for VPS13B-related condition. Last evaluated: 2025-09-26. Review status: criteria provided, single submitter. Criteria: ACMG Guidelines, 2015. Collection method: clinical testing. Allele origin: germline.
Comment: The VPS13B c.7675G>T variant is predicted to result in the amino acid substitution p.Val2559Leu. To our knowledge, this variant has not been reported in the literature. This variant is reported in 0.0062% of alleles in individuals of European (non-Finnish) descent in gnomAD. At this time, the clinical significance of this variant is uncertain due to the absence of conclusive functional and genetic evidence.

Ambry Genetics
Classification: Uncertain significance for Inborn genetic diseases. Last evaluated: 2024-11-07. Review status: criteria provided, single submitter. Criteria: Ambry Variant Classification Scheme 2023. Collection method: clinical testing. Allele origin: germline.

Illumina Laboratory Services, Illumina
Classification: Uncertain significance for Cohen syndrome. Last evaluated: 2018-01-13. Review status: criteria provided, single submitter. Criteria: ICSL Variant Classification Criteria 13 December 2019. Collection method: clinical testing. Allele origin: germline.

Natera, Inc.
Classification: Uncertain significance for Cohen syndrome. Last evaluated: 2019-11-11. Review status: no assertion criteria provided. Collection method: clinical testing. Allele origin: germline. Not counted in ClinVar's aggregate classification.

NM_152564.5(VPS13B):c.7675G>T (p.Val2559Leu)

Gene: VPS13B (vacuolar protein sorting 13 homolog B; plus strand). Cytogenetic location: 8q22.2.
Variant type: single nucleotide variant.
Coding change: c.7675G>T on transcript NM_152564.5 (MANE Select); coding-DNA position 7675, G replaced by T.
Protein change: p.Val2559Leu; replaces valine 2559 with leucine.
Molecular consequence: missense variant.
Genome position (GRCh38, 1-based): chr8:99,778,927, G>T. VCF-style: chr8-99778927-G-T. GRCh37 (hg19) VCF-style: chr8-100791155-G-T.
Other names: c.7675G>T (NM_152564.4); c.7750G>T, p.Val2584Leu (NM_017890.5); c.7750G>T (NM_017890.3); short protein forms V2559L, V2584L.
Identifiers: ClinVar variation 361073 (VCV000361073.16), dbSNP rs144668374, ClinGen allele CA4824266.